The following is an entry in ClinVar:

NM_000089.4(COL1A2):c.794G>T (p.Gly265Val)

Gene: COL1A2 (collagen type I alpha 2 chain; plus strand). Cytogenetic location: 7q21.3.
Variant type: single nucleotide variant.
Coding change: c.794G>T on transcript NM_000089.4 (MANE Select); coding-DNA position 794, G replaced by T.
Protein change: p.Gly265Val; replaces glycine 265 with valine.
Molecular consequence: missense variant.
Genome position (GRCh38, 1-based): chr7:94,409,323, G>T. VCF-style: chr7-94409323-G-T. GRCh37 (hg19) VCF-style: chr7-94038635-G-T.
Other names: c.794G>T (NM_000089.3); short protein forms G265V.
Identifiers: ClinVar variation 1457226 (VCV001457226.9), dbSNP rs72656386, ClinGen allele CA368220543.
Genomic context (GRCh38, chr7:94,409,323, plus strand): 5'-AACAGATATGCTGTTTCATTATTTGCTGGTTAATTCCTTGGTTTAATTTCCTCTTTTAGG[G>T]TGAAATTGGAGCTGTTGGTAACGCTGGTCCTGCTGGTCCCGCCGGTCCCCGTGGTGAAGT-3'
Protein context (NP_000080.2, residues 255-275): PGFPGAPGPK[Gly265Val]EIGAVGNAGP

ClinVar aggregate classification (germline): Pathogenic/Likely pathogenic. Review status: criteria provided, multiple submitters, no conflicts (2 of 4 stars). 2 submissions from 2 submitters: Pathogenic (1); Likely pathogenic (1). Last evaluated 2022-09-26.

Conditions:
COL1A2-related disorder. Also called: COL1A2-related condition; COL1A2-Related Disorders.
Ehlers-Danlos syndrome, classic type, 1 (EDSCL1). Also called: EHLERS-DANLOS SYNDROME, GRAVIS TYPE; EHLERS-DANLOS SYNDROME, SEVERE CLASSIC TYPE; Ehlers-Danlos syndrome, type 1; Ehlers-Danlos Syndrome, Classic Type, COL5A1-Related; EDS I. Identifiers: MedGen C0268335, MONDO:0019567, OMIM 130000.
Osteogenesis imperfecta type I (OI1). Also called: OI, TYPE I; OSTEOGENESIS IMPERFECTA TARDA; OSTEOGENESIS IMPERFECTA WITH BLUE SCLERAE; Osteogenesis imperfecta type 1; Lobstein's Disease; Lobstein disease. Identifiers: Orphanet 216796, Orphanet 666, MedGen C0023931, MONDO:0008146, OMIM 166200. Disease mechanism: loss of function.

Submissions (2):

PreventionGenetics, part of Exact Sciences
Classification: Likely pathogenic for COL1A2-related condition. Last evaluated: 2022-09-26. Review status: criteria provided, single submitter. Criteria: ACMG Guidelines, 2015. Collection method: clinical testing. Allele origin: germline.
Comment: The COL1A2 c.794G>T variant is predicted to result in the amino acid substitution p.Gly265Val. To our knowledge, this variant has not been reported in the literature or in a large population database, indicating this variant is rare. Alternate substitutions impacting the same amino acid (p.Gly265Arg, p.Gly265Asp) have been reported in patients with osteogenesis imperfecta (for example, see Supplemental Table 1 in Lindahl et al. 2015. PubMed ID: 26177859; Supplemental Table 1 in Bardai et al. 2016. PubMed ID: 27509835). The p.Gly265 is located in the conserved Gly-Xaa-Yaa triple helical domain where substitutions of a glycine are usually pathogenic (Marini et al. 2007. PubMed ID: 17078022). We classify this variant as likely pathogenic.

Labcorp Genetics (formerly Invitae), Labcorp
Classification: Pathogenic for Osteogenesis imperfecta type I; Ehlers-Danlos syndrome, classic type, 1. Last evaluated: 2021-04-24. Review status: criteria provided, single submitter. Criteria: Invitae Variant Classification Sherloc (09022015). Collection method: clinical testing. Allele origin: germline.
Comment: This variant disrupts the p.Gly265 amino acid residue in COL1A2. Other variant(s) that disrupt this residue have been determined to be pathogenic (PMID: 26177859, 27509835, 9240878). This suggests that this residue is clinically significant, and that variants that disrupt this residue are likely to be disease-causing. For these reasons, this variant has been classified as Pathogenic. This variant disrupts the triple helix domain of COL1A2. Glycine residues within the Gly-Xaa-Yaa repeats of the triple helix domain are required for the structure and stability of fibrillar collagens (PMID: 7695699, 8218237, 19344236). In COL1A2, variants affecting these glycine residues are significantly enriched in individuals with disease (PMID: 9016532, 17078022) compared to the general population (ExAC). Algorithms developed to predict the effect of missense changes on protein structure and function are either unavailable or do not agree on the potential impact of this missense change (SIFT: "Deleterious"; PolyPhen-2: "Not Available"; Align-GVGD: "Class C65"). This variant has been observed in individual(s) with autosomal dominant osteogenesis imperfecta (Invitae). This variant is not present in population databases (ExAC no frequency). This sequence change replaces glycine with valine at codon 265 of the COL1A2 protein (p.Gly265Val). The glycine residue is highly conserved and there is a moderate physicochemical difference between glycine and valine.

Literature cited by the submitters: PubMed 26177859 (cited by Labcorp Genetics (formerly Invitae), Labcorp); PubMed 27509835 (cited by Labcorp Genetics (formerly Invitae), Labcorp); PubMed 9240878 (cited by Labcorp Genetics (formerly Invitae), Labcorp); PubMed 7695699 (cited by Labcorp Genetics (formerly Invitae), Labcorp); PubMed 8218237 (cited by Labcorp Genetics (formerly Invitae), Labcorp); PubMed 19344236 (cited by Labcorp Genetics (formerly Invitae), Labcorp); PubMed 9016532 (cited by Labcorp Genetics (formerly Invitae), Labcorp); PubMed 17078022 (cited by Labcorp Genetics (formerly Invitae), Labcorp).